The following is an entry in ClinVar:

ClinVar aggregate classification (germline): Uncertain significance (1 of 4 stars; one submission).

gnomAD v4.1: 10 of 1,613,838 alleles (0.00062%); highest among the groups gnomAD compares: African/African-American, 0.0067%; no homozygotes.

Submission:

Ambry Genetics
Classification: Uncertain significance. Last evaluated: 2025-08-13. Review status: criteria provided, single submitter. Criteria: Ambry Variant Classification Scheme 2023. Collection method: clinical testing. Allele origin: germline.
Comment: The c.1705G>A (p.A569T) alteration is located in exon (coding exon ) of the SH3RF3 gene. This alteration results from a G to A substitution at nucleotide position 1705, causing the alanine (A) at amino acid position 569 to be replaced by a threonine (T). Based on insufficient or conflicting evidence, the clinical significance of this alteration remains unclear.

NM_001099289.3(SH3RF3):c.1705G>A (p.Ala569Thr)

Genes: RANBP2 (RAN binding protein 2; plus strand), SH3RF3 (SH3 domain containing ring finger 3; plus strand). Cytogenetic location: 2q13.
Variant type: single nucleotide variant.
Coding change: c.1705G>A on transcript NM_001099289.3 (MANE Select); coding-DNA position 1705, G replaced by A.
Protein change: p.Ala569Thr; replaces alanine 569 with threonine.
Molecular consequence: missense variant.
Genome position (GRCh38, 1-based): chr2:109,437,023, G>A. VCF-style: chr2-109437023-G-A. GRCh37 (hg19) VCF-style: chr2-110053479-G-A.
Other names: short protein forms A569T.
Identifiers: ClinVar variation 4164372 (VCV004164372.1).
Genomic context (GRCh38, chr2:109,437,023, plus strand): 5'-ACCACAACCATGCACCCAGGCAGTGGGAGTCTGAGCAGCCTGGCCACTGCCACCAGGCCC[G>A]CCCTGCCCATCACCACTCCCCAGGCCCACGCCCAGCACCCCACAGCCTCGCCCCCAACAG-3'
Protein context (NP_001092759.1, residues 559-579): LSSLATATRP[Ala569Thr]LPITTPQAHA